The following is an entry in ClinVar:

ClinVar aggregate classification (germline): Uncertain significance (1 of 4 stars; one submission).

Conditions:
Familial X-linked hypophosphatemic vitamin D refractory rickets (XLHRD). Also called: Hypophosphatemic Rickets, X-Linked Dominant; X-Linked Hypophosphatemia; HYPOPHOSPHATEMIC VITAMIN D-RESISTANT RICKETS; Hypophosphatemia, vitamin D-resistant rickets; Vitamin D-resistant rickets, X-linked. Identifiers: Orphanet 89936, MedGen C0733682, MONDO:0010619, OMIM 307800.

Submission:

Institute of Human Genetics, University of Leipzig Medical Center
Classification: Uncertain significance for Familial X-linked hypophosphatemic vitamin D refractory rickets. Last evaluated: 2022-05-04. Review status: criteria provided, single submitter. Criteria: ACMG Guidelines, 2015. Collection method: clinical testing. Allele origin: unknown. Affected: yes.
Comment: Despite strong evidence for its pathogenicity, this variant has to be classified as of unknown significance, according to the ACMG-criteria (Richards et al., 2015)_x000D_ Criteria applied: PS4_MOD, PM2_SUP, PP3, PP4

NM_000444.6(PHEX):c.1174-3C>G

Gene: PHEX (phosphate regulating endopeptidase X-linked; plus strand). Cytogenetic location: Xp22.11.
Variant type: single nucleotide variant.
Coding change: c.1174-3C>G on transcript NM_000444.6 (MANE Select); 3 bases into the intron before coding-DNA position 1174, C replaced by G.
Molecular consequence: intron variant.
Genome position (GRCh38, 1-based): chrX:22,114,455, C>G. VCF-style: chrX-22114455-C-G. GRCh37 (hg19) VCF-style: chrX-22132573-C-G.
Other names: c.1174-3C>G (NM_001282754.2).
Identifiers: ClinVar variation 1691842 (VCV001691842.1), dbSNP rs1446526598, ClinGen allele CA2573158526.